The following is an entry in ClinVar:

ClinVar aggregate classification (germline): Uncertain significance (1 of 4 stars; one submission).

Conditions:
Tuberous sclerosis 1 (TSC1). Identifiers: Orphanet 805, MedGen C1854465, MONDO:0008612, OMIM 191100.

Submission:

Labcorp Genetics (formerly Invitae), Labcorp
Classification: Uncertain significance for Tuberous sclerosis 1. Last evaluated: 2024-02-19. Review status: criteria provided, single submitter. Criteria: Invitae Variant Classification Sherloc (09022015). Collection method: clinical testing. Allele origin: germline.
Comment: This sequence change replaces serine, which is neutral and polar, with tyrosine, which is neutral and polar, at codon 16 of the TSC1 protein (p.Ser16Tyr). This variant is not present in population databases (gnomAD no frequency). This variant has not been reported in the literature in individuals affected with TSC1-related conditions. Advanced modeling of protein sequence and biophysical properties (such as structural, functional, and spatial information, amino acid conservation, physicochemical variation, residue mobility, and thermodynamic stability) performed at Invitae indicates that this missense variant is not expected to disrupt TSC1 protein function with a negative predictive value of 95%. In summary, the available evidence is currently insufficient to determine the role of this variant in disease. Therefore, it has been classified as a Variant of Uncertain Significance.

NM_000368.5(TSC1):c.47C>A (p.Ser16Tyr)

Gene: TSC1 (TSC complex subunit 1; minus strand). Cytogenetic location: 9q34.13.
Variant type: single nucleotide variant.
Coding change: c.47C>A on transcript NM_000368.5 (MANE Select); coding-DNA position 47, C replaced by A.
Protein change: p.Ser16Tyr; replaces serine 16 with tyrosine.
Molecular consequence: missense variant. On other transcripts: 5 prime UTR variant (16), non-coding transcript variant (5), intron variant (2).
Genome position (GRCh38, 1-based): chr9:132,928,826, G>T on the plus strand (C>A on the coding strand, the complement: TSC1 is on the minus strand). VCF-style: chr9-132928826-G-T. GRCh37 (hg19) VCF-style: chr9-135804213-G-T.
Other names: c.47C>A, p.Ser16Tyr (NM_001162426.2, NM_001162427.2, NM_001406592.1 and 21 more transcripts); c.-213C>A (NM_001362177.2, NM_001406617.1, NM_001406619.1 and 3 more transcripts); c.-305C>A (NM_001406614.1); c.-442C>A (NM_001406615.1, NM_001406623.1); c.-409C>A (NM_001406616.1, NM_001406624.1); c.-831C>A (NM_001406626.1, NM_001406627.1, NM_001406628.1); c.-973C>A (NM_001406629.1); c.-1047C>A (NM_001406630.1); and 1 more; short protein forms S16Y.
Identifiers: ClinVar variation 2868919 (VCV002868919.3), dbSNP rs774900322, ClinGen allele CA375375376.